The following is an entry in ClinVar:

NM_020975.6(RET):c.1965C>G (p.Phe655Leu)

Gene: RET (ret proto-oncogene; plus strand). Cytogenetic location: 10q11.21.
Variant type: single nucleotide variant.
Coding change: c.1965C>G on transcript NM_020975.6 (MANE Select); coding-DNA position 1965, C replaced by G.
Protein change: p.Phe655Leu; replaces phenylalanine 655 with leucine.
Molecular consequence: missense variant.
Genome position (GRCh38, 1-based): chr10:43,114,565, C>G. VCF-style: chr10-43114565-C-G. GRCh37 (hg19) VCF-style: chr10-43610013-C-G.
Other names: c.1569C>G, p.Phe523Leu (NM_001406772.1, NM_001406769.1); c.1527C>G, p.Phe509Leu (NM_001406773.1, NM_001406771.1); c.1440C>G, p.Phe480Leu (NM_001406774.1); c.1239C>G, p.Phe413Leu (NM_001406775.1, NM_001406776.1, NM_001406777.1 and 1 more transcripts); c.1068C>G, p.Phe356Leu (NM_001406779.1, NM_001406780.1, NM_001406781.1 and 1 more transcripts); c.516C>G, p.Phe172Leu (NM_001406792.1, NM_001406793.1, NM_001406794.1); c.1965C>G, p.Phe655Leu (NM_020629.2, NM_020630.7, NM_000323.2 and 4 more transcripts); c.1203C>G, p.Phe401Leu (NM_001355216.2); and 7 more; short protein forms F260L, F413L, F480L, F559L, F509L, F523L, F316L, F612L.
Identifiers: ClinVar variation 2180164 (VCV002180164.4), dbSNP rs2132847844, ClinGen allele CA376553028.

ClinVar aggregate classification (germline): Uncertain significance (1 of 4 stars; one submission).

Conditions:
Multiple endocrine neoplasia, type 2 (MEN2). Identifiers: Orphanet 653, MedGen C4048306, MONDO:0019003. Disease mechanism: gain of function.

Allele frequency attached by ClinVar (database versions not stated): gnomAD exomes below 0.00001.
gnomAD v4.1: 1 of 1,612,124 alleles (0.000062%); highest among the groups gnomAD compares: Admixed American, 0.0017%; no homozygotes.

Submission:

Labcorp Genetics (formerly Invitae), Labcorp
Classification: Uncertain significance for Multiple endocrine neoplasia, type 2. Last evaluated: 2024-11-12. Review status: criteria provided, single submitter. Criteria: Invitae Variant Classification Sherloc (09022015). Collection method: clinical testing. Allele origin: germline.
Comment: This sequence change replaces phenylalanine, which is neutral and non-polar, with leucine, which is neutral and non-polar, at codon 655 of the RET protein (p.Phe655Leu). This variant is not present in population databases (gnomAD no frequency). This variant has not been reported in the literature in individuals affected with RET-related conditions. ClinVar contains an entry for this variant (Variation ID: 2180164). An algorithm developed to predict the effect of missense changes on protein structure and function (PolyPhen-2) suggests that this variant is likely to be tolerated. In summary, the available evidence is currently insufficient to determine the role of this variant in disease. Therefore, it has been classified as a Variant of Uncertain Significance.